The following is an entry in ClinVar:

NM_001040142.2(SCN2A):c.4552-2A>G

Gene: SCN2A (sodium voltage-gated channel alpha subunit 2; plus strand). Cytogenetic location: 2q24.3.
Variant type: single nucleotide variant.
Coding change: c.4552-2A>G on transcript NM_001040142.2 (MANE Select); the canonical splice acceptor site of the intron before coding-DNA position 4552, A replaced by G.
Molecular consequence: splice acceptor variant.
Genome position (GRCh38, 1-based): chr2:165,386,744, A>G. VCF-style: chr2-165386744-A-G. GRCh37 (hg19) VCF-style: chr2-166243254-A-G.
Other names: c.4552-2A>G (NM_001040143.2, NM_001371246.1, NM_001371247.1 and 1 more transcripts).
Identifiers: ClinVar variation 2921312 (VCV002921312.3), dbSNP rs2468149284, ClinGen allele CA349036135.

ClinVar aggregate classification (germline): Likely pathogenic (1 of 4 stars; one submission).

Conditions:
Developmental and epileptic encephalopathy, 11 (DEE11). Also called: Early infantile epileptic encephalopathy 11. Identifiers: Orphanet 1934, MedGen C3150987, MONDO:0013388, OMIM 613721.
Seizures, benign familial infantile, 3 (BFIS3). Also called: Familial neonatal seizures; CONVULSIONS, BENIGN FAMILIAL INFANTILE, 3. Identifiers: Orphanet 140927, Orphanet 306, MedGen C1843140, MONDO:0011904, OMIM 607745.

Submission:

Labcorp Genetics (formerly Invitae), Labcorp
Classification: Likely pathogenic for Seizures, benign familial infantile, 3; Developmental and epileptic encephalopathy, 11. Last evaluated: 2023-12-11. Review status: criteria provided, single submitter. Criteria: Invitae Variant Classification Sherloc (09022015). Collection method: clinical testing. Allele origin: germline.
Comment: This sequence change affects an acceptor splice site in intron 25 of the SCN2A gene. It is expected to disrupt RNA splicing. Variants that disrupt the donor or acceptor splice site typically lead to a loss of protein function (PMID: 16199547), and loss-of-function variants in SCN2A are known to be pathogenic (PMID: 28379373). This variant is not present in population databases (gnomAD no frequency). This variant has not been reported in the literature in individuals affected with SCN2A-related conditions. Algorithms developed to predict the effect of sequence changes on RNA splicing suggest that this variant may disrupt the consensus splice site. In summary, the currently available evidence indicates that the variant is pathogenic, but additional data are needed to prove that conclusively. Therefore, this variant has been classified as Likely Pathogenic.

Literature cited by the submitters: PubMed 16199547; PubMed 28379373.